The following is an entry in ClinVar:

NM_004369.4(COL6A3):c.8069C>T (p.Thr2690Ile)

Gene: COL6A3 (collagen type VI alpha 3 chain; minus strand). Cytogenetic location: 2q37.3.
Variant type: single nucleotide variant.
Coding change: c.8069C>T on transcript NM_004369.4 (MANE Select); coding-DNA position 8069, C replaced by T.
Protein change: p.Thr2690Ile; replaces threonine 2690 with isoleucine.
Molecular consequence: missense variant.
Genome position (GRCh38, 1-based): chr2:237,340,847, G>A on the plus strand (C>T on the coding strand, the complement: COL6A3 is on the minus strand). VCF-style: chr2-237340847-G-A. GRCh37 (hg19) VCF-style: chr2-238249490-G-A.
Other names: c.6248C>T, p.Thr2083Ile (NM_057166.5); c.7451C>T, p.Thr2484Ile (NM_057167.4); short protein forms T2083I, T2690I, T2484I.
Identifiers: ClinVar variation 4743887 (VCV004743887.1).

ClinVar aggregate classification (germline): Uncertain significance (1 of 4 stars; one submission).

Conditions:
Bethlem myopathy 1A. Also called: MYOPATHY, BENIGN CONGENITAL, WITH CONTRACTURES; Bethlem myopathy 1; Bethlem Muscular Dystrophy. Identifiers: Orphanet 610, MedGen CN029274, MONDO:0024530, OMIM 158810.

gnomAD v4.1: 1 of 1,614,164 alleles (0.000062%); highest among the groups gnomAD compares: Admixed American, 0.0017%; no homozygotes.

Submission:

Labcorp Genetics (formerly Invitae), Labcorp
Classification: Uncertain significance for Bethlem myopathy 1A. Last evaluated: 2025-03-18. Review status: criteria provided, single submitter. Criteria: Invitae Variant Classification Sherloc (09022015). Collection method: clinical testing. Allele origin: germline.
Comment: This sequence change replaces threonine, which is neutral and polar, with isoleucine, which is neutral and non-polar, at codon 2690 of the COL6A3 protein (p.Thr2690Ile). This variant is not present in population databases (gnomAD no frequency). This variant has not been reported in the literature in individuals affected with COL6A3-related conditions. Invitae Evidence Modeling of protein sequence and biophysical properties (such as structural, functional, and spatial information, amino acid conservation, physicochemical variation, residue mobility, and thermodynamic stability) indicates that this missense variant is expected to disrupt COL6A3 protein function with a positive predictive value of 80%. In summary, the available evidence is currently insufficient to determine the role of this variant in disease. Therefore, it has been classified as a Variant of Uncertain Significance.